The following is an entry in ClinVar:

NM_000038.6(APC):c.4020T>C (p.Ser1340=)

Gene: APC (APC regulator of Wnt signaling pathway; plus strand). Cytogenetic location: 5q22.2.
Variant type: single nucleotide variant.
Coding change: c.4020T>C on transcript NM_000038.6 (MANE Select); coding-DNA position 4020, T replaced by C.
Protein change: p.Ser1340=; no amino-acid change (serine 1340 retained).
Molecular consequence: synonymous variant.
Genome position (GRCh38, 1-based): chr5:112,839,614, T>C. VCF-style: chr5-112839614-T-C. GRCh37 (hg19) VCF-style: chr5-112175311-T-C.
Other names: c.4020T>C, p.Ser1340= (NM_001127510.3, NM_001354895.2); c.3966T>C, p.Ser1322= (NM_001127511.3); c.4074T>C, p.Ser1358= (NM_001354896.2); c.4050T>C, p.Ser1350= (NM_001354897.2); c.3945T>C, p.Ser1315= (NM_001354898.2); c.3936T>C, p.Ser1312= (NM_001354899.2); c.3897T>C, p.Ser1299= (NM_001354900.2); c.3843T>C, p.Ser1281= (NM_001354901.2); and 5 more.
Identifiers: ClinVar variation 232327 (VCV000232327.27), dbSNP rs746379898, ClinGen allele CA037394.

ClinVar aggregate classification (germline): Benign/Likely benign. Review status: criteria provided, multiple submitters, no conflicts (2 of 4 stars). 7 submissions from 7 submitters: Benign (1); Likely benign (6). Last evaluated 2025-04-01.

Conditions:
Familial adenomatous polyposis 1 (FAP1). Also called: FAMILIAL ADENOMATOUS POLYPOSIS 1, ATTENUATED; POLYPOSIS, ADENOMATOUS INTESTINAL. Identifiers: MedGen C2713442, MONDO:0021056, OMIM 175100. Disease mechanism: loss of function.
Hereditary cancer-predisposing syndrome. Also called: Neoplastic Syndromes, Hereditary; Tumor predisposition; Hereditary Cancer Syndrome; Hereditary neoplastic syndrome. Identifiers: Orphanet 140162, MedGen C0027672, MeSH D009386, MONDO:0015356.
Classic or attenuated familial adenomatous polyposis. Identifiers: MedGen CN372698, MONDO:0021057.

Allele frequency attached by ClinVar (database versions not stated): gnomAD exomes below 0.00001; TOPMed below 0.00001; ExAC 0.00001.
gnomAD v4.1: 25 of 1,614,170 alleles (0.0015%); highest among the groups gnomAD compares: Non-Finnish European, 0.002%; no homozygotes.

Submissions (7):

Labcorp Genetics (formerly Invitae), Labcorp
Classification: Likely benign for Familial adenomatous polyposis 1. Last evaluated: 2025-04-01. Review status: criteria provided, single submitter. Criteria: Invitae Variant Classification Sherloc (09022015). Collection method: clinical testing. Allele origin: germline.

Center for Genomic Medicine, Rigshospitalet, Copenhagen University Hospital
Classification: Likely benign. Last evaluated: 2025-03-04. Review status: criteria provided, single submitter. Criteria: ACMG Guidelines, 2015. Collection method: clinical testing. Allele origin: germline.

Myriad Genetics, Inc.
Classification: Benign for Familial adenomatous polyposis 1. Last evaluated: 2024-03-25. Review status: criteria provided, single submitter. Criteria: Myriad Autosomal Dominant, Autosomal Recessive and X-Linked Classification Criteria (2023). Collection method: clinical testing. Allele origin: unknown.
Comment: This variant is considered benign. This variant is a silent/synonymous amino acid change and it is not expected to impact splicing.

All of Us Research Program, National Institutes of Health
Classification: Likely benign for Classic or attenuated familial adenomatous polyposis. Last evaluated: 2023-11-30. Review status: criteria provided, single submitter. Criteria: ACMG Guidelines, 2015. Collection method: clinical testing. Allele origin: germline. Inheritance: Autosomal dominant inheritance. Observed: 2 variant alleles, 2 heterozygotes.
Comment: This study involves interpretation of variants in research participants for the purpose of population health screening. Participant phenotype was not available at the time of variant classification. Additional details can be found in publication PMID: 35346344, PMCID: PMC8962531

Genetic Services Laboratory, University of Chicago
Classification: Likely benign. Last evaluated: 2020-09-25. Review status: criteria provided, single submitter. Criteria: ACMG Guidelines, 2015. Collection method: clinical testing. Allele origin: germline. Affected: no.

Color Diagnostics, LLC DBA Color Health
Classification: Likely benign for Hereditary cancer-predisposing syndrome. Last evaluated: 2018-05-29. Review status: criteria provided, single submitter. Criteria: ACMG Guidelines, 2015. Collection method: clinical testing. Allele origin: germline.

Ambry Genetics
Classification: Likely benign for Hereditary cancer-predisposing syndrome. Last evaluated: 2017-04-13. Review status: criteria provided, single submitter. Criteria: Ambry Variant Classification Scheme 2023. Collection method: clinical testing. Allele origin: germline.